The following is an entry in ClinVar:

NM_000548.5(TSC2):c.5014A>G (p.Ile1672Val)

Gene: TSC2 (TSC complex subunit 2; plus strand). Cytogenetic location: 16p13.3.
Variant type: single nucleotide variant.
Coding change: c.5014A>G on transcript NM_000548.5 (MANE Select); coding-DNA position 5014, A replaced by G.
Protein change: p.Ile1672Val; replaces isoleucine 1672 with valine.
Molecular consequence: missense variant.
Genome position (GRCh38, 1-based): chr16:2,087,887, A>G. VCF-style: chr16-2087887-A-G. GRCh37 (hg19) VCF-style: chr16-2137888-A-G.
Other names: c.4813A>G, p.Ile1605Val (NM_001077183.3); c.4945A>G, p.Ile1649Val (NM_001114382.3); c.4705A>G, p.Ile1569Val (NM_001318827.2); c.4669A>G, p.Ile1557Val (NM_001318829.2); c.4282A>G, p.Ile1428Val (NM_001318831.2); c.4846A>G, p.Ile1616Val (NM_001318832.2); c.4816A>G, p.Ile1606Val (NM_001363528.2); c.4882A>G, p.Ile1628Val (NM_001370404.1); and 2 more; short protein forms I1672V, I1557V, I1605V, I1606V, I1628V, I1428V, I1629V, I1569V.
Identifiers: ClinVar variation 406102 (VCV000406102.50), dbSNP rs374066182, ClinGen allele CA053492.

ClinVar aggregate classification (germline): Conflicting classifications of pathogenicity. Review status: criteria provided, conflicting classifications (1 of 4 stars). 12 submissions from 12 submitters: Uncertain significance (5); Benign (1); Likely benign (6). Last evaluated 2026-02-04.

Conditions:
TSC2-related disorder. Also called: TSC2-related condition; TSC2-Related Disorders.
Hereditary cancer-predisposing syndrome. Also called: Neoplastic Syndromes, Hereditary; Hereditary neoplastic syndrome; Tumor predisposition; Hereditary Cancer Syndrome. Identifiers: Orphanet 140162, MedGen C0027672, MeSH D009386, MONDO:0015356.
Tuberous sclerosis syndrome (TSC). Also called: Tuberous Sclerosis Complex; Tuberous sclerosis. Identifiers: Orphanet 805, MedGen C0041341, MONDO:0001734.
Tuberous sclerosis 2 (TSC2). Identifiers: Orphanet 805, MedGen C1860707, MONDO:0013199, OMIM 613254.

Allele frequency attached by ClinVar (database versions not stated): TOPMed below 0.00001; ExAC 0.00001; gnomAD 0.00002; gnomAD exomes 0.00003; ESP Exome Variant Server 0.00008.
gnomAD v4.1: 42 of 1,612,004 alleles (0.0026%); highest among the groups gnomAD compares: Middle Eastern, 0.016%; no homozygotes.

Submissions (12):

Labcorp Genetics (formerly Invitae), Labcorp
Classification: Benign for Tuberous sclerosis 2. Last evaluated: 2026-02-04. Review status: criteria provided, single submitter. Criteria: Invitae Variant Classification Sherloc (09022015). Collection method: clinical testing. Allele origin: germline.

PreventionGenetics, part of Exact Sciences
Classification: Likely benign for TSC2-related condition. Last evaluated: 2025-10-27. Review status: criteria provided, single submitter. Criteria: ACMG Guidelines, 2015. Collection method: clinical testing. Allele origin: germline.
Comment: This variant is classified as likely benign based on ACMG/AMP sequence variant interpretation guidelines (Richards et al. 2015 PMID: 25741868, with internal and published modifications).

Clinical Genomics Laboratory, Washington University in St. Louis
Classification: Uncertain significance for Tuberous sclerosis 2. Last evaluated: 2025-08-18. Review status: criteria provided, single submitter. Criteria: ACMG Guidelines, 2015. Collection method: clinical testing. Allele origin: germline.
Comment: A TSC2 c.5014A>G (p.Ile1672Val) variant was identified at a near heterozygous allelic fraction of 47.5%, a frequency which may be consistent with it being of germline origin. This variant, to our knowledge, has not been reported in the medical literature but has been reported in the ClinVar database as a germline variant of uncertain significance by two submitters, a likely benign variant by five submitters and a benign variant by one submitter (ClinVar Variation ID: 406102). The TSC2 c.5014A>G (p.Ile1672Val) variant is observed in 42/1,612,004 alleles in the general population (gnomAD v4.1.0). Computational predictors are uncertain as to the impact of this variant on TSC2 function. Due to limited information, and based on ACMG/AMP guidelines for variant interpretation (Richards S et al., PMID: 25741868), the clinical significance of this variant is uncertain at this time.

Myriad Genetics, Inc.
Classification: Likely benign for Tuberous sclerosis 2. Last evaluated: 2025-06-06. Review status: criteria provided, single submitter. Criteria: Myriad Autosomal Dominant, Autosomal Recessive and X-Linked Classification Criteria (2023). Collection method: clinical testing. Allele origin: unknown.
Comment: This variant is considered likely benign. This variant has been observed at a population frequency that is significantly greater than expected given the associated disease prevalence and penetrance.

Color Diagnostics, LLC DBA Color Health
Classification: Uncertain significance for Tuberous sclerosis syndrome. Last evaluated: 2024-07-19. Review status: criteria provided, single submitter. Criteria: ACMG Guidelines, 2015. Collection method: clinical testing. Allele origin: germline.
Comment: This missense variant replaces isoleucine with valine at codon 1672 of the TSC2 protein. Computational prediction is inconclusive regarding the impact of this variant on protein structure and function. To our knowledge, functional studies have not been reported for this variant. This variant has not been reported in individuals affected with TSC2-related disorders in the literature. This variant has been identified in 8/249808 chromosomes in the general population by the Genome Aggregation Database (gnomAD). The available evidence is insufficient to determine the role of this variant in disease conclusively. Therefore, this variant is classified as a Variant of Uncertain Significance.

Blueprint Genetics
Classification: Uncertain significance. Last evaluated: 2024-01-03. Review status: criteria provided, single submitter. Criteria: ACMG Guidelines, 2015. Collection method: clinical testing. Allele origin: germline.

CeGaT Center for Human Genetics Tuebingen
Classification: Uncertain significance. Last evaluated: 2022-04-01. Review status: criteria provided, single submitter. Criteria: CeGaT Center For Human Genetics Tuebingen Variant Classification Criteria Version 2. Collection method: clinical testing. Allele origin: germline. Affected: yes. Observed: 1 variant allele.

Genome-Nilou Lab
Classification: Likely benign for Tuberous sclerosis 2. Last evaluated: 2021-11-07. Review status: criteria provided, single submitter. Criteria: ACMG Guidelines, 2015. Collection method: clinical testing. Allele origin: germline. Affected: no.

Institute for Clinical Genetics, University Hospital TU Dresden, University Hospital TU Dresden
Classification: Uncertain significance. Last evaluated: 2021-11-03. Review status: criteria provided, single submitter. Criteria: ACMG Guidelines, 2015. Collection method: clinical testing. Allele origin: germline.

Sema4
Classification: Likely benign for Hereditary cancer-predisposing syndrome. Last evaluated: 2021-04-20. Review status: criteria provided, single submitter. Criteria: Sema4 Curation Guidelines. Collection method: curation. Allele origin: germline.

Ambry Genetics
Classification: Likely benign for Hereditary cancer-predisposing syndrome. Last evaluated: 2020-10-29. Review status: criteria provided, single submitter. Criteria: Ambry Variant Classification Scheme 2023. Collection method: clinical testing. Allele origin: germline.

GeneDx
Classification: Likely benign. Last evaluated: 2019-08-01. Review status: criteria provided, single submitter. Criteria: GeneDx Variant Classification Process June 2021. Collection method: clinical testing. Allele origin: germline. Affected: yes.